The following is an entry in ClinVar:

ClinVar aggregate classification (germline): Uncertain significance (1 of 4 stars; one submission).

gnomAD v4.1: 3 of 1,538,684 alleles (0.00019%); highest among the groups gnomAD compares: East Asian, 0.0049%; no homozygotes.

Submission:

Labcorp Genetics (formerly Invitae), Labcorp
Classification: Uncertain significance. Last evaluated: 2025-11-18. Review status: criteria provided, single submitter. Criteria: Invitae Variant Classification Sherloc (09022015). Collection method: clinical testing. Allele origin: germline.
Comment: This sequence change replaces proline, which is neutral and non-polar, with arginine, which is basic and polar, at codon 445 of the NAF1 protein (p.Pro445Arg). This variant is present in population databases (rs776473243, gnomAD 0.02%). This variant has not been reported in the literature in individuals affected with NAF1-related conditions. An algorithm developed to predict the effect of missense changes on protein structure and function (PolyPhen-2) suggests that this variant is likely to be tolerated. In summary, the available evidence is currently insufficient to determine the role of this variant in disease. Therefore, it has been classified as a Variant of Uncertain Significance.

NM_138386.3(NAF1):c.1334C>G (p.Pro445Arg)

Gene: NAF1 (nuclear assembly factor 1 ribonucleoprotein; minus strand). Cytogenetic location: 4q32.2.
Variant type: single nucleotide variant.
Coding change: c.1334C>G on transcript NM_138386.3 (MANE Select); coding-DNA position 1334, C replaced by G.
Protein change: p.Pro445Arg; replaces proline 445 with arginine.
Molecular consequence: missense variant. On other transcripts: intron variant (1).
Genome position (GRCh38, 1-based): chr4:163,129,048, G>C on the plus strand (C>G on the coding strand, the complement: NAF1 is on the minus strand). VCF-style: chr4-163129048-G-C. GRCh37 (hg19) VCF-style: chr4-164050200-G-C.
Other names: c.1034-1933C>G (NM_001128931.2); short protein forms P445R.
Identifiers: ClinVar variation 4774324 (VCV004774324.1).
Genomic context (GRCh38, chr4:163,129,048, plus strand): 5'-GGTAAGTTAAGTAATGGATGAGCAGCCATGTTTGGTGTAGCCCAACCCATGTTTACAGGT[G>C]GGGGTGGTGGTGGGGGTGGAGGGCGGAGGGGAAAATTATGCATGTCAAACACTGGAAGAG-3'
Protein context (NP_612395.2, residues 435-455): PLRPPPPPPP[Pro445Arg]PVNMGWATPN